The following is an entry in ClinVar:

ClinVar aggregate classification (germline): Uncertain significance (1 of 4 stars; one submission).

Submission:

Dasa
Classification: Uncertain significance. Last evaluated: 2025-03-31. Review status: criteria provided, single submitter. Criteria: DASA Assertion Criteria. Collection method: clinical testing. Allele origin: germline.
Comment: NM_000485.3(APRT):c.49C>T (p.Pro17Ser) is a missense variant that results in the substitution of proline with serine. This variant is rare in population databases. Computational prediction algorithms are consistent with a deleterious effect. The currently available literature and clinical evidence are not sufficient to establish a definitive association between this variant and the reported condition. Therefore, this variant is classified as a variant of uncertain significance.

NM_000485.3(APRT):c.49C>T (p.Pro17Ser)

Genes: APRT (adenine phosphoribosyltransferase; minus strand), LOC130059760 (ATAC-STARR-seq lymphoblastoid silent region 7879; plus strand). Cytogenetic location: 16q24.3.
Variant type: single nucleotide variant.
Coding change: c.49C>T on transcript NM_000485.3 (MANE Select); coding-DNA position 49, C replaced by T.
Protein change: p.Pro17Ser; replaces proline 17 with serine.
Molecular consequence: missense variant.
Genome position (GRCh38, 1-based): chr16:88,811,851, G>A on the plus strand (C>T on the coding strand, the complement: APRT is on the minus strand). VCF-style: chr16-88811851-G-A. GRCh37 (hg19) VCF-style: chr16-88878259-G-A.
Other names: c.49C>T, p.Pro17Ser (NM_001030018.2); short protein forms P17S.
Identifiers: ClinVar variation 4883263 (VCV004883263.2).